The following is an entry in ClinVar:

ClinVar aggregate classification (germline): Uncertain significance (1 of 4 stars; one submission).

Allele frequency attached by ClinVar (database versions not stated): gnomAD exomes below 0.00001.
gnomAD v4.1: 1 of 1,614,090 alleles (0.000062%); highest among the groups gnomAD compares: Non-Finnish European, 0.000085%; no homozygotes.

Submission:

Labcorp Genetics (formerly Invitae), Labcorp
Classification: Uncertain significance. Last evaluated: 2022-04-04. Review status: criteria provided, single submitter. Criteria: Invitae Variant Classification Sherloc (09022015). Collection method: clinical testing. Allele origin: germline.
Comment: In summary, the available evidence is currently insufficient to determine the role of this variant in disease. Therefore, it has been classified as a Variant of Uncertain Significance. Algorithms developed to predict the effect of sequence changes on RNA splicing suggest that this variant may disrupt the consensus splice site. Advanced modeling of protein sequence and biophysical properties (such as structural, functional, and spatial information, amino acid conservation, physicochemical variation, residue mobility, and thermodynamic stability) performed at Invitae indicates that this missense variant is not expected to disrupt CNGA3 protein function. This variant has not been reported in the literature in individuals affected with CNGA3-related conditions. This variant is not present in population databases (gnomAD no frequency). This sequence change replaces lysine, which is basic and polar, with arginine, which is basic and polar, at codon 17 of the CNGA3 protein (p.Lys17Arg).

NM_001298.3(CNGA3):c.50A>G (p.Lys17Arg)

Gene: CNGA3 (cyclic nucleotide gated channel subunit alpha 3; plus strand). Cytogenetic location: 2q11.2.
Variant type: single nucleotide variant.
Coding change: c.50A>G on transcript NM_001298.3 (MANE Select); coding-DNA position 50, A replaced by G.
Protein change: p.Lys17Arg; replaces lysine 17 with arginine.
Molecular consequence: missense variant.
Genome position (GRCh38, 1-based): chr2:98,370,025, A>G. VCF-style: chr2-98370025-A-G. GRCh37 (hg19) VCF-style: chr2-98986488-A-G.
Other names: c.50A>G, p.Lys17Arg (NM_001079878.2); short protein forms K17R.
Identifiers: ClinVar variation 2104125 (VCV002104125.4), dbSNP rs1692250043, ClinGen allele CA347828830.
Genomic context (GRCh38, chr2:98,370,025, plus strand): 5'-AAACCGAGAAGATGGCCAAGATCAACACCCAATACTCCCACCCCTCCAGGACCCACCTCA[A>G]GGTAAAGACCTCAGACCGAGATCTCAATCGCGCTGAAAATGGCCTCAGCAGGTAAGATGG-3'
Protein context (NP_001289.1, residues 7-27): QYSHPSRTHL[Lys17Arg]VKTSDRDLNR